The following is an entry in ClinVar:

ClinVar aggregate classification (germline): Uncertain significance (1 of 4 stars; one submission).

Conditions:
Hereditary cancer-predisposing syndrome. Also called: Neoplastic Syndromes, Hereditary; Tumor predisposition; Hereditary neoplastic syndrome; Hereditary Cancer Syndrome. Identifiers: Orphanet 140162, MedGen C0027672, MeSH D009386, MONDO:0015356.

Submission:

Ambry Genetics
Classification: Uncertain significance for Hereditary cancer-predisposing syndrome. Last evaluated: 2026-07-01. Review status: criteria provided, single submitter. Criteria: Ambry Variant Classification Scheme 2023. Collection method: clinical testing. Allele origin: germline.
Comment: The p.E280D variant (also known as c.840G>T), located in coding exon 5 of the FLCN gene, results from a G to T substitution at nucleotide position 840. The glutamic acid at codon 280 is replaced by aspartic acid, an amino acid with highly similar properties. This amino acid position is conserved. In addition, the in silico prediction for this alteration is inconclusive. Based on the available evidence, the clinical significance of this variant remains unclear.

NM_144997.7(FLCN):c.840G>T (p.Glu280Asp)

Gene: FLCN (folliculin; minus strand). Cytogenetic location: 17p11.2.
Variant type: single nucleotide variant.
Coding change: c.840G>T on transcript NM_144997.7 (MANE Select); coding-DNA position 840, G replaced by T.
Protein change: p.Glu280Asp; replaces glutamic acid 280 with aspartic acid.
Molecular consequence: missense variant.
Genome position (GRCh38, 1-based): chr17:17,221,568, C>A on the plus strand (G>T on the coding strand, the complement: FLCN is on the minus strand). VCF-style: chr17-17221568-C-A. GRCh37 (hg19) VCF-style: chr17-17124882-C-A.
Other names: c.894G>T, p.Glu298Asp (NM_001353229.2); c.840G>T, p.Glu280Asp (NM_001353230.2, NM_001353231.2, NM_144606.7); short protein forms E280D, E298D.
Identifiers: ClinVar variation 5021821 (VCV005021821.1).